The following is an entry in ClinVar:

NM_004523.4(KIF11):c.1399C>T (p.His467Tyr)

Gene: KIF11 (kinesin family member 11; plus strand). Cytogenetic location: 10q23.33.
Variant type: single nucleotide variant.
Coding change: c.1399C>T on transcript NM_004523.4 (MANE Select); coding-DNA position 1399, C replaced by T.
Protein change: p.His467Tyr; replaces histidine 467 with tyrosine.
Molecular consequence: missense variant.
Genome position (GRCh38, 1-based): chr10:92,630,269, C>T. VCF-style: chr10-92630269-C-T. GRCh37 (hg19) VCF-style: chr10-94390026-C-T.
Other names: short protein forms H467Y.
Identifiers: ClinVar variation 2851398 (VCV002851398.3), dbSNP rs2492515237, ClinGen allele CA377591795.

ClinVar aggregate classification (germline): Uncertain significance (1 of 4 stars; one submission).

Submission:

Labcorp Genetics (formerly Invitae), Labcorp
Classification: Uncertain significance. Last evaluated: 2024-01-11. Review status: criteria provided, single submitter. Criteria: Invitae Variant Classification Sherloc (09022015). Collection method: clinical testing. Allele origin: germline.
Comment: This sequence change replaces histidine, which is basic and polar, with tyrosine, which is neutral and polar, at codon 467 of the KIF11 protein (p.His467Tyr). This variant is not present in population databases (gnomAD no frequency). This variant has not been reported in the literature in individuals affected with KIF11-related conditions. Advanced modeling of protein sequence and biophysical properties (such as structural, functional, and spatial information, amino acid conservation, physicochemical variation, residue mobility, and thermodynamic stability) performed at Invitae indicates that this missense variant is not expected to disrupt KIF11 protein function with a negative predictive value of 80%. In summary, the available evidence is currently insufficient to determine the role of this variant in disease. Therefore, it has been classified as a Variant of Uncertain Significance.